The following is an entry in ClinVar:

NM_003235.5(TG):c.6131G>T (p.Arg2044Leu)

Gene: TG (thyroglobulin; plus strand). Cytogenetic location: 8q24.22.
Variant type: single nucleotide variant.
Coding change: c.6131G>T on transcript NM_003235.5 (MANE Select); coding-DNA position 6131, G replaced by T.
Protein change: p.Arg2044Leu; replaces arginine 2044 with leucine.
Molecular consequence: missense variant.
Genome position (GRCh38, 1-based): chr8:132,972,673, G>T. VCF-style: chr8-132972673-G-T. GRCh37 (hg19) VCF-style: chr8-133984918-G-T.
Other names: c.6131G>T (NM_003235.4); short protein forms R2044L.
Identifiers: ClinVar variation 1049665 (VCV001049665.4), dbSNP rs573866267, ClinGen allele CA4884793.
Genomic context (GRCh38, chr8:132,972,673, plus strand): 5'-GTCTCACTCTGAACAGCTTGGGAATTCAGATGTGCAGTGAGGAGAATGGAGGAGCCTGGC[G>T]CATTTTGGACTGTGGCTCTCCTGACATTGAAGTCCACACCTATCCCTTCGGATGGTACCA-3'
Protein context (NP_003226.4, residues 2034-2054): MCSEENGGAW[Arg2044Leu]ILDCGSPDIE

ClinVar aggregate classification (germline): Uncertain significance. Review status: criteria provided, multiple submitters, no conflicts (2 of 4 stars). 4 submissions from 4 submitters: Uncertain significance (3). 1 of the submissions does not count toward it. Last evaluated 2024-12-10.

Conditions:
Iodotyrosyl coupling defect (TDH3). Also called: HYPOTHYROIDISM, CONGENITAL, DUE TO DYSHORMONOGENESIS, 3; THYROID HORMONOGENESIS, GENETIC DEFECT IN, 3. Identifiers: Orphanet 95716, MedGen C0342194, MONDO:0010135, OMIM 274700.
Autoimmune thyroid disease, susceptibility to, 3. Identifiers: MedGen C1842444, MONDO:0011982, OMIM 608175.
Inborn genetic diseases. Identifiers: MedGen C0950123, MeSH D030342.

Allele frequency attached by ClinVar (database versions not stated): TOPMed 0.00003; 1000 Genomes Project 30x 0.00016; 1000 Genomes Project 0.00020.
gnomAD v4.1: 68 of 1,613,430 alleles (0.0042%); highest among the groups gnomAD compares: Middle Eastern, 0.066%; no homozygotes.

Submissions (4):

Ambry Genetics
Classification: Uncertain significance for Inborn genetic diseases. Last evaluated: 2024-12-10. Review status: criteria provided, single submitter. Criteria: Ambry Variant Classification Scheme 2023. Collection method: clinical testing. Allele origin: germline.

GeneDx
Classification: Uncertain significance. Last evaluated: 2023-02-09. Review status: criteria provided, single submitter. Criteria: GeneDx Variant Classification Process June 2021. Collection method: clinical testing. Allele origin: germline. Affected: yes.
Comment: In silico analysis supports that this missense variant has a deleterious effect on protein structure/function; Has not been previously published as pathogenic or benign to our knowledge

Fulgent Genetics
Classification: Uncertain significance for Iodotyrosyl coupling defect; Autoimmune thyroid disease, susceptibility to, 3. Last evaluated: 2021-08-04. Review status: criteria provided, single submitter. Criteria: ACMG Guidelines, 2015. Collection method: clinical testing. Allele origin: unknown.

Department of Pathology and Laboratory Medicine, Sinai Health System
Classification: Uncertain significance. Review status: no assertion criteria provided. Collection method: clinical testing. Allele origin: unknown. Affected: yes. Study: The Canadian Open Genetics Repository (COGR). Not counted in ClinVar's aggregate classification.
Comment: The TG p.Arg2044Leu variant was not identified in the literature nor was it identified in ClinVar or LOVD 3.0. The variant was identified in dbSNP (ID: rs573866267) and in control databases in 7 of 282480 chromosomes at a frequency of 0.00002478 (Genome Aggregation Database March 6, 2019, v2.1.1). The variant was observed in the following populations: Other in 2 of 7210 chromosomes (freq: 0.000277), Latino in 2 of 35436 chromosomes (freq: 0.000056), African in 1 of 24908 chromosomes (freq: 0.00004) and European (non-Finnish) in 2 of 128938 chromosomes (freq: 0.000016), but was not observed in the Ashkenazi Jewish, East Asian, European (Finnish) or South Asian populations. The p.Arg2044 residue is conserved in mammals and computational analyses (PolyPhen-2, SIFT, AlignGVGD, BLOSUM, MutationTaster) provide inconsistent predictions regarding the impact to the protein; this information is not very predictive of pathogenicity. The variant occurs outside of the splicing consensus sequence and in silico or computational prediction software programs (SpliceSiteFinder, MaxEntScan, NNSPLICE, GeneSplicer) do not predict a difference in splicing. In summary, based on the above information the clinical significance of this variant cannot be determined with certainty at this time. This variant is classified as a variant of uncertain significance.